The following is an entry in ClinVar:

ClinVar aggregate classification (germline): Uncertain significance (1 of 4 stars; one submission).

Conditions:
Familial thoracic aortic aneurysm and aortic dissection (TAAD). Also called: Thoracic aortic aneurysms and dissections. Identifiers: Orphanet 91387, MedGen C4707243, MONDO:0019625.

Submission:

Color Diagnostics, LLC DBA Color Health
Classification: Uncertain significance for Familial thoracic aortic aneurysm and aortic dissection. Last evaluated: 2025-01-13. Review status: criteria provided, single submitter. Criteria: ACMG Guidelines, 2015. Collection method: clinical testing. Allele origin: germline.
Comment: This missense variant replaces glutamic acid with lysine at codon 901 of the MYH11 protein. Computational prediction tool is inconclusive regarding the impact of this variant on protein structure and function. To our knowledge, functional studies have not been reported for this variant. This variant has not been reported in individuals affected with MYH11-related disorders in the literature. This variant has not been identified in the general population by the Genome Aggregation Database (gnomAD). The available evidence is insufficient to determine the role of this variant in disease conclusively. Therefore, this variant is classified as a Variant of Uncertain Significance.

NM_002474.3(MYH11):c.2680G>A (p.Glu894Lys)

Gene: MYH11 (myosin heavy chain 11; minus strand). Cytogenetic location: 16p13.11.
Variant type: single nucleotide variant.
Coding change: c.2680G>A on transcript NM_002474.3 (MANE Select); coding-DNA position 2680, G replaced by A.
Protein change: p.Glu894Lys; replaces glutamic acid 894 with lysine.
Molecular consequence: missense variant.
Genome position (GRCh38, 1-based): chr16:15,741,642, C>T on the plus strand (G>A on the coding strand, the complement: MYH11 is on the minus strand). VCF-style: chr16-15741642-C-T. GRCh37 (hg19) VCF-style: chr16-15835499-C-T.
Other names: c.2701G>A, p.Glu901Lys (NM_001040113.2, NM_001040114.2); c.2680G>A, p.Glu894Lys (NM_022844.3); short protein forms E894K, E901K.
Identifiers: ClinVar variation 3894186 (VCV003894186.1).